The following is an entry in ClinVar:

NM_005529.7(HSPG2):c.4773C>T (p.Cys1591=)

Gene: HSPG2 (heparan sulfate proteoglycan 2; minus strand). Cytogenetic location: 1p36.12.
Variant type: single nucleotide variant.
Coding change: c.4773C>T on transcript NM_005529.7 (MANE Select); coding-DNA position 4773, C replaced by T.
Protein change: p.Cys1591=; no amino-acid change (cysteine 1591 retained).
Molecular consequence: synonymous variant.
Genome position (GRCh38, 1-based): chr1:21,862,083, G>A on the plus strand (C>T on the coding strand, the complement: HSPG2 is on the minus strand). VCF-style: chr1-21862083-G-A. GRCh37 (hg19) VCF-style: chr1-22188576-G-A.
Other names: c.4773C>T (NM_005529.6); c.4776C>T, p.Cys1592= (NM_001291860.2).
Identifiers: ClinVar variation 1609196 (VCV001609196.10), dbSNP rs764396560, ClinGen allele CA672164.

ClinVar aggregate classification (germline): Likely benign. Review status: criteria provided, single submitter (1 of 4 stars). 2 submissions from 2 submitters: Likely benign (1). 1 of the submissions does not count toward it. Last evaluated 2026-01-02.

Conditions:
HSPG2-related disorder. Also called: HSPG2-related condition; HSPG2-related disorders.

Allele frequency attached by ClinVar (database versions not stated): gnomAD 0.00001 and 0.00003; TOPMed 0.00001; gnomAD exomes 0.00009 and 0.00015; ExAC 0.00016.
gnomAD v4.1: 131 of 1,613,732 alleles (0.0081%); highest among the groups gnomAD compares: South Asian, 0.1%; 2 homozygotes.

Submissions (2):

Labcorp Genetics (formerly Invitae), Labcorp
Classification: Likely benign. Last evaluated: 2026-01-02. Review status: criteria provided, single submitter. Criteria: Invitae Variant Classification Sherloc (09022015). Collection method: clinical testing. Allele origin: germline.

PreventionGenetics, part of Exact Sciences
Classification: Likely benign for HSPG2-related condition. Last evaluated: 2019-07-09. Review status: no assertion criteria provided. Collection method: clinical testing. Allele origin: germline. Not counted in ClinVar's aggregate classification.
Comment: This variant is classified as likely benign based on ACMG/AMP sequence variant interpretation guidelines (Richards et al. 2015 PMID: 25741868, with internal and published modifications).